The following is an entry in ClinVar:

NM_002386.4(MC1R):c.878T>C (p.Ile293Thr)

Gene: MC1R (melanocortin 1 receptor; plus strand). Cytogenetic location: 16q24.3.
Variant type: single nucleotide variant.
Coding change: c.878T>C on transcript NM_002386.4 (MANE Select); coding-DNA position 878, T replaced by C.
Protein change: p.Ile293Thr; replaces isoleucine 293 with threonine.
Molecular consequence: missense variant.
Genome position (GRCh38, 1-based): chr16:89,920,136, T>C. VCF-style: chr16-89920136-T-C. GRCh37 (hg19) VCF-style: chr16-89986544-T-C.
Other names: short protein forms I293T.
Identifiers: ClinVar variation 3871134 (VCV003871134.1).

ClinVar aggregate classification (germline): Uncertain significance (1 of 4 stars; one submission).

Submission:

Ambry Genetics
Classification: Uncertain significance. Last evaluated: 2025-03-01. Review status: criteria provided, single submitter. Criteria: Ambry Variant Classification Scheme 2023. Collection method: clinical testing. Allele origin: germline.
Comment: The p.I293T variant (also known as c.878T>C), located in coding exon 1 of the MC1R gene, results from a T to C substitution at nucleotide position 878. The isoleucine at codon 293 is replaced by threonine, an amino acid with similar properties. This amino acid position is conserved. In addition, this alteration is predicted to be tolerated by in silico analysis. Based on the available evidence, the clinical significance of this variant remains unclear.